The following is an entry in ClinVar:

ClinVar aggregate classification (germline): Likely pathogenic (1 of 4 stars; one submission).

Conditions:
Cardiovascular phenotype. Identifiers: MedGen CN230736.

Submission:

Ambry Genetics
Classification: Likely pathogenic for Cardiovascular phenotype. Last evaluated: 2020-01-10. Review status: criteria provided, single submitter. Criteria: Ambry Variant Classification Scheme 2023. Collection method: clinical testing. Allele origin: germline.
Comment: The c.8746_8760del15insTAAATG variant (also known as p.A2916_2920delins*M), located in coding exon 35 of the TTN gene, results from an in-frame deletion of GCCACCCTGACAGTC and insertion of TAAATG at nucleotide positions 8746 to 8760. This results in the substitution of five residues for a stop codon and methionine residue at codons 2916 and 2920, within coding exon 35. This exon is located in the I-band region of the N2-B isoform of the titin protein and is constitutively expressed in TTN transcripts (percent spliced in or PSI 100%). This alteration is expected to result in loss of function by premature protein truncation or nonsense-mediated mRNA decay. While truncating variants in TTN are present in 1-3% of the general population, truncating variants in the A-band are the most common cause of dilated cardiomyopathy (DCM) (Herman DS et al. N. Engl. J. Med., 2012 Feb;366:619-28; Roberts AM et al. Sci Transl Med, 2015 Jan;7:270ra6). TTN truncating variants encoded in constitutive exons (PSI >90%) have been found to be significantly associated with DCM regardless of their position in titin (Schafer S et al. Nat. Genet., 2017 01;49:46-53). As such, this alteration is classified as likely pathogenic.

NM_001267550.2(TTN):c.8884_8898delinsTAAATG (p.Ala2962_Val2966delinsTer)

Gene: TTN (titin; minus strand). Cytogenetic location: 2q31.2.
Variant type: Indel.
Coding change: c.8884_8898delinsTAAATG on transcript NM_001267550.2 (MANE Select); coding-DNA positions 8884 to 8898, GCCACCCTGACAGTC replaced by TAAATG.
Protein change: p.Ala2962_Val2966delinsTer.
Molecular consequence: nonsense.
Genome position (GRCh38, 1-based): chr2:178,769,683-178,769,697, GACTGTCAGGGTGGC replaced by CATTTA on the plus strand (GCCACCCTGACAGTC replaced by TAAATG on the coding strand, the reverse complement: TTN is on the minus strand). VCF-style: chr2-178769683-GACTGTCAGGGTGGC-CATTTA. GRCh37 (hg19) VCF-style: chr2-179634410-GACTGTCAGGGTGGC-CATTTA.
Other names: c.8884_8898delinsTAAATG, p.Ala2962_Val2966delinsTer (NM_001256850.1, NM_133378.4, NM_133379.5); c.8746_8760delinsTAAATG, p.Ala2916_Val2920delinsTer (NM_003319.4, NM_133432.3, NM_133437.4); c.8746_8760del15insTAAATG (NM_003319.4).
Identifiers: ClinVar variation 1764518 (VCV001764518.2), dbSNP rs2532456803, ClinGen allele CA2580065192.
Genomic context (GRCh38, chr2:178,769,683, plus strand): 5'-GAATATTTGATATTTTATATATATGTGTATATATATATATATATTTTTTAACTTACGGGT[GACTGTCAGGGTGGC>CATTTA]ACTGACTTGGTCATTGCCACAGACAAATGTGTATTCTGCCGAGTCCTCTGTGCTGGTGTT-3'